The following is an entry in ClinVar:

ClinVar aggregate classification (germline): Pathogenic (1 of 4 stars; one submission).

Conditions:
Fabry disease. Also called: ALPHA-GALACTOSIDASE A DEFICIENCY; ANDERSON-FABRY DISEASE; CERAMIDE TRIHEXOSIDASE DEFICIENCY; GLA DEFICIENCY; HEREDITARY DYSTOPIC LIPIDOSIS; Angiokeratoma corporis diffusum. Identifiers: Orphanet 324, MedGen C0002986, MONDO:0010526, OMIM 301500, HP:0001071. Disease mechanism: Fabry disease is due to inactivating mutations in the X-linked GLA gene resulting in deficiency of the enzyme Alpha Galactosidase-A., loss of function.

Submission:

Genomenon, Inc
Classification: Pathogenic for Fabry disease. Last evaluated: 2026-09-08. Review status: criteria provided, single submitter. Criteria: Genomenon Sequence Variant Interpretation Standards - Updated. Collection method: curation. Allele origin: germline. Affected: yes.
Comment: GLA p.Phe396SerfsTer8 (c.1187del) is a frameshift variant that is predicted to introduce a premature termination codon and result in a truncated or absent protein product. This variant has been observed in at least one proband with clinical features consistent with Fabry disease (PMID:16720462). It is absent or not present at a significant frequency in gnomAD. In conclusion, we classify GLA p.Phe396SerfsTer8 (c.1187del) as a pathogenic variant.

Literature cited by the submitters: PubMed 16720462.

NM_000169.3(GLA):c.1187del (p.Phe396fs)

Genes: GLA (galactosidase alpha; minus strand), RPL36A-HNRNPH2 (RPL36A-HNRNPH2 readthrough; plus strand). Cytogenetic location: Xq22.1.
Variant type: Deletion.
Coding change: c.1187del on transcript NM_000169.3 (MANE Select); coding-DNA position 1187, one base deleted (T; older notation c.1187delT).
Protein change: p.Phe396fs; shifts the reading frame from phenylalanine 396.
Molecular consequence: frameshift variant. On other transcripts: non-coding transcript variant (3), intron variant (2).
Genome position (GRCh38, 1-based): chrX:101,397,912, A deleted on the plus strand (T on the coding strand, the reverse complement: GLA is on the minus strand); the first of 2 consecutive A bases (chrX:101,397,912-101,397,913); deleting either gives the same sequence. VCF-style (leftmost placement, unchanged base first): chrX-101397911-GA-G. GRCh37 (hg19) VCF-style: chrX-100652899-GA-G.
Other names: c.1310del, p.Phe437fs (NM_001406747.1); c.300+2456del (NM_001199973.2); c.177+6091del (NM_001199974.2); short protein forms F396fs, F437fs.
Identifiers: ClinVar variation 4087076 (VCV004087076.2).